The following is an entry in ClinVar:

ClinVar aggregate classification (germline): Uncertain significance. Review status: criteria provided, multiple submitters, no conflicts (2 of 4 stars). 2 submissions from 2 submitters: Uncertain significance (2). Last evaluated 2024-09-18.

Conditions:
Hereditary cancer-predisposing syndrome. Also called: Tumor predisposition; Hereditary Cancer Syndrome; Hereditary neoplastic syndrome; Neoplastic Syndromes, Hereditary. Identifiers: Orphanet 140162, MedGen C0027672, MeSH D009386, MONDO:0015356.
Rhabdoid tumor predisposition syndrome 2 (RTPS2). Identifiers: Orphanet 231108, Orphanet 69077, MedGen C2750074, MONDO:0013224, OMIM 613325.

Allele frequency attached by ClinVar (database versions not stated): gnomAD exomes below 0.00001; TOPMed below 0.00001.
gnomAD v4.1: 1 of 1,613,956 alleles (0.000062%); highest among the groups gnomAD compares: Non-Finnish European, 0.000085%; no homozygotes.

Submissions (2):

Ambry Genetics
Classification: Uncertain significance for Hereditary cancer-predisposing syndrome. Last evaluated: 2024-09-18. Review status: criteria provided, single submitter. Criteria: Ambry Variant Classification Scheme 2023. Collection method: clinical testing. Allele origin: germline.
Comment: The p.T1066I variant (also known as c.3197C>T), located in coding exon 22 of the SMARCA4 gene, results from a C to T substitution at nucleotide position 3197. The threonine at codon 1066 is replaced by isoleucine, an amino acid with similar properties. This amino acid position is not well conserved in available vertebrate species. In addition, this alteration is predicted to be tolerated by in silico analysis. Based on the available evidence, the clinical significance of this variant remains unclear.

Labcorp Genetics (formerly Invitae), Labcorp
Classification: Uncertain significance for Rhabdoid tumor predisposition syndrome 2. Last evaluated: 2023-11-17. Review status: criteria provided, single submitter. Criteria: Invitae Variant Classification Sherloc (09022015). Collection method: clinical testing. Allele origin: germline.
Comment: This sequence change replaces threonine, which is neutral and polar, with isoleucine, which is neutral and non-polar, at codon 1066 of the SMARCA4 protein (p.Thr1066Ile). This variant is not present in population databases (gnomAD no frequency). This variant has not been reported in the literature in individuals affected with SMARCA4-related conditions. ClinVar contains an entry for this variant (Variation ID: 537770). Advanced modeling of protein sequence and biophysical properties (such as structural, functional, and spatial information, amino acid conservation, physicochemical variation, residue mobility, and thermodynamic stability) performed at Invitae indicates that this missense variant is not expected to disrupt SMARCA4 protein function with a negative predictive value of 95%. In summary, the available evidence is currently insufficient to determine the role of this variant in disease. Therefore, it has been classified as a Variant of Uncertain Significance.

NM_003072.5(SMARCA4):c.3197C>T (p.Thr1066Ile)

Gene: SMARCA4 (SWI/SNF related BAF chromatin remodeling complex subunit ATPase 4; plus strand). Cytogenetic location: 19p13.2.
Variant type: single nucleotide variant.
Coding change: c.3197C>T on transcript NM_003072.5 (MANE Select); coding-DNA position 3197, C replaced by T.
Protein change: p.Thr1066Ile; replaces threonine 1066 with isoleucine.
Molecular consequence: missense variant. On other transcripts: non-coding transcript variant (1).
Genome position (GRCh38, 1-based): chr19:11,026,328, C>T. VCF-style: chr19-11026328-C-T. GRCh37 (hg19) VCF-style: chr19-11137004-C-T.
Other names: c.3197C>T, p.Thr1066Ile (NM_001128844.3, NM_001128845.2, NM_001128846.2 and 5 more transcripts); short protein forms T1066I.
Identifiers: ClinVar variation 537770 (VCV000537770.12), dbSNP rs1555781082, ClinGen allele CA404060128.